The following is an entry in ClinVar:

ClinVar aggregate classification (germline): Uncertain significance (1 of 4 stars; one submission).

Submission:

Greenwood Genetic Center Diagnostic Laboratories, Greenwood Genetic Center
Classification: Uncertain significance. Last evaluated: 2025-11-26. Review status: criteria provided, single submitter. Criteria: ACMG Guidelines, 2015. Collection method: clinical testing. Allele origin: germline. Affected: yes.
Comment: Gene of Uncertain Significance

NM_005222.4(DLX6):c.820G>C (p.Gly274Arg)

Genes: DLX6 (distal-less homeobox 6; plus strand), DLX6-AS1 (DLX6 antisense RNA 1; minus strand). Cytogenetic location: 7q21.3.
Variant type: single nucleotide variant.
Coding change: c.820G>C on transcript NM_005222.4 (MANE Select); coding-DNA position 820, G replaced by C.
Protein change: p.Gly274Arg; replaces glycine 274 with arginine.
Molecular consequence: missense variant.
Genome position (GRCh38, 1-based): chr7:97,009,985, G>C. VCF-style: chr7-97009985-G-C. GRCh37 (hg19) VCF-style: chr7-96639297-G-C.
Other names: short protein forms G274R.
Identifiers: ClinVar variation 4845496 (VCV004845496.1).